The following is an entry in ClinVar:

NM_001134407.3(GRIN2A):c.1008-2A>G

Gene: GRIN2A (glutamate ionotropic receptor NMDA type subunit 2A; minus strand). Cytogenetic location: 16p13.2.
Variant type: single nucleotide variant.
Coding change: c.1008-2A>G on transcript NM_001134407.3 (MANE Select); the canonical splice acceptor site of the intron before coding-DNA position 1008, A replaced by G.
Molecular consequence: splice acceptor variant.
Genome position (GRCh38, 1-based): chr16:9,891,102, T>C on the plus strand (A>G on the coding strand, the complement: GRIN2A is on the minus strand). VCF-style: chr16-9891102-T-C. GRCh37 (hg19) VCF-style: chr16-9984959-T-C.
Other names: c.1008-2A>G (NM_001134408.2, NM_000833.5).
Identifiers: ClinVar variation 835125 (VCV000835125.7), dbSNP rs2043686667, ClinGen allele CA394797630.

ClinVar aggregate classification (germline): Likely pathogenic (1 of 4 stars; one submission).

Conditions:
Landau-Kleffner syndrome (FESD). Also called: APHASIA, ACQUIRED, WITH EPILEPSY; EPILEPSY, FOCAL, WITH SPEECH DISORDER AND WITH OR WITHOUT MENTAL RETARDATION. Identifiers: Orphanet 1945, Orphanet 725, Orphanet 98818, MedGen C0282512, MONDO:0009509, OMIM 245570.

Submission:

Labcorp Genetics (formerly Invitae), Labcorp
Classification: Likely pathogenic for Landau-Kleffner syndrome. Last evaluated: 2019-11-26. Review status: criteria provided, single submitter. Criteria: Invitae Variant Classification Sherloc (09022015). Collection method: clinical testing. Allele origin: germline.
Comment: In summary, the currently available evidence indicates that the variant is pathogenic, but additional data are needed to prove that conclusively. Therefore, this variant has been classified as Likely Pathogenic. Donor and acceptor splice site variants typically lead to a loss of protein function (PMID: 16199547), and loss-of-function variants in GRIN2A are known to be pathogenic (PMID: 23933819, 23933820). This variant has not been reported in the literature in individuals with GRIN2A-related conditions. This variant is not present in population databases (ExAC no frequency). This sequence change affects an acceptor splice site in intron 4 of the GRIN2A gene. It is expected to disrupt RNA splicing and likely results in an absent or disrupted protein product.

Literature cited by the submitters: PubMed 16199547; PubMed 23933819; PubMed 23933820.